The following is an entry in ClinVar:

NM_000138.5(FBN1):c.5799A>T (p.Glu1933Asp)

Gene: FBN1 (fibrillin 1; minus strand). Cytogenetic location: 15q21.1.
Variant type: single nucleotide variant.
Coding change: c.5799A>T on transcript NM_000138.5 (MANE Select); coding-DNA position 5799, A replaced by T.
Protein change: p.Glu1933Asp; replaces glutamic acid 1933 with aspartic acid.
Molecular consequence: missense variant.
Genome position (GRCh38, 1-based): chr15:48,445,494, T>A on the plus strand (A>T on the coding strand, the complement: FBN1 is on the minus strand). VCF-style: chr15-48445494-T-A. GRCh37 (hg19) VCF-style: chr15-48737691-T-A.
Other names: c.5799A>T, p.Glu1933Asp (NM_001406716.1); short protein forms E1933D.
Identifiers: ClinVar variation 4758567 (VCV004758567.1).

ClinVar aggregate classification (germline): Uncertain significance (1 of 4 stars; one submission).

Conditions:
Familial thoracic aortic aneurysm and aortic dissection (TAAD). Also called: Thoracic aortic aneurysms and dissections. Identifiers: Orphanet 91387, MedGen C4707243, MONDO:0019625.

gnomAD v4.1: 1 of 1,612,482 alleles (0.000062%); highest among the groups gnomAD compares: Middle Eastern, 0.017%; no homozygotes.

Submission:

Color Diagnostics, LLC DBA Color Health
Classification: Uncertain significance for Familial thoracic aortic aneurysm and aortic dissection. Last evaluated: 2025-05-20. Review status: criteria provided, single submitter. Criteria: ACMG Guidelines, 2015. Collection method: clinical testing. Allele origin: germline.
Comment: This missense variant replaces glutamic acid with aspartic acid at codon 1933 of the FBN1 protein. Computational prediction suggests that this variant may have deleterious impact on protein structure and function. To our knowledge, functional studies have not been reported for this variant. This variant has not been reported in individuals affected with FBN1-related disorders in the literature. This variant has not been identified in the general population by the Genome Aggregation Database (gnomAD). The available evidence is insufficient to determine the role of this variant in disease conclusively. Therefore, this variant is classified as a Variant of Uncertain Significance.